The following is an entry in ClinVar:

NM_015395.3(TECPR1):c.1221C>T (p.Gly407=)

Gene: TECPR1 (tectonin beta-propeller repeat containing 1; minus strand). Cytogenetic location: 7q21.3.
Variant type: single nucleotide variant.
Coding change: c.1221C>T on transcript NM_015395.3 (MANE Select); coding-DNA position 1221, C replaced by T.
Protein change: p.Gly407=; no amino-acid change (glycine 407 retained).
Molecular consequence: synonymous variant.
Genome position (GRCh38, 1-based): chr7:98,233,872, G>A on the plus strand (C>T on the coding strand, the complement: TECPR1 is on the minus strand). VCF-style: chr7-98233872-G-A. GRCh37 (hg19) VCF-style: chr7-97863184-G-A.
Other names: NC_000007.13:g.97863184G>A.
Identifiers: ClinVar variation 2657697 (VCV002657697.25), dbSNP rs189236109, ClinGen allele CA4357109.
Genomic context (GRCh38, chr7:98,233,872, plus strand): 5'-CTGGCCAGGCCCTGGTCTCTCGACTTCCGAGGAGGCATCGGTGTCGCTGGGGGCAGACTC[G>A]CCACTACCCCTCACCTCATCACCGAAGAAGCAGCCGGCACTGGGGACAAATCAGGGCAGA-3'
Protein context (NP_056210.1, residues 397-417): CFFGDEVRGS[Gly407=]ESAPSDTDAS

ClinVar aggregate classification (germline): Likely benign (1 of 4 stars; one submission).

Allele frequency attached by ClinVar (database versions not stated): 1000 Genomes Project 30x 0.00219; 1000 Genomes Project 0.00240; TOPMed 0.00360; ESP Exome Variant Server 0.00382; gnomAD 0.00400; ExAC 0.00496; gnomAD exomes 0.00509.
gnomAD v4.1: 7,694 of 1,554,230 alleles (0.5%); highest among the groups gnomAD compares: Non-Finnish European, 0.57%; 31 homozygotes.

Submissions (7):

CeGaT Center for Human Genetics Tuebingen
Classification: Likely benign. Last evaluated: 2023-03-01. Review status: criteria provided, single submitter. Criteria: CeGaT Center For Human Genetics Tuebingen Variant Classification Criteria Version 2. Collection method: clinical testing. Allele origin: germline. Affected: yes. Observed: 2 variant alleles.
Comment: TECPR1: BP4, BP7, BS2

Dr. Peter K. Rogan Lab, Western University
No classification provided (evidence only). Condition: Colon adenocarcinoma. Review status: no classification provided. Collection method: in vitro. Allele origin: not applicable. Functional consequence: retained intron. Not counted in ClinVar's aggregate classification.

Dr. Peter K. Rogan Lab, Western University
No classification provided (evidence only). Condition: Uterine corpus endometrial carcinoma. Review status: no classification provided. Collection method: in vitro. Allele origin: not applicable. Functional consequence: retained intron. Not counted in ClinVar's aggregate classification.

Dr. Peter K. Rogan Lab, Western University
No classification provided (evidence only). Condition: Cervical cancer. Review status: no classification provided. Collection method: in vitro. Allele origin: not applicable. Functional consequence: retained intron. Not counted in ClinVar's aggregate classification.

Dr. Peter K. Rogan Lab, Western University
No classification provided (evidence only). Condition: Thymoma. Review status: no classification provided. Collection method: in vitro. Allele origin: not applicable. Functional consequence: skipped exon. Not counted in ClinVar's aggregate classification.

Dr. Peter K. Rogan Lab, Western University
No classification provided (evidence only). Condition: Ovarian serous cystadenocarcinoma. Review status: no classification provided. Collection method: in vitro. Allele origin: not applicable. Functional consequence: retained intron. Not counted in ClinVar's aggregate classification.

Dr. Peter K. Rogan Lab, Western University
No classification provided (evidence only). Condition: Adrenocortical carcinoma, hereditary. Review status: no classification provided. Collection method: in vitro. Allele origin: not applicable. Functional consequence: retained intron. Not counted in ClinVar's aggregate classification.